The following is an entry in ClinVar:

NM_013382.7(POMT2):c.1935C>T (p.Leu645=)

Gene: POMT2 (protein O-mannosyltransferase 2; minus strand). Cytogenetic location: 14q24.3.
Variant type: single nucleotide variant.
Coding change: c.1935C>T on transcript NM_013382.7 (MANE Select); coding-DNA position 1935, C replaced by T.
Protein change: p.Leu645=; no amino-acid change (leucine 645 retained).
Molecular consequence: synonymous variant.
Genome position (GRCh38, 1-based): chr14:77,278,826, G>A on the plus strand (C>T on the coding strand, the complement: POMT2 is on the minus strand). VCF-style: chr14-77278826-G-A. GRCh37 (hg19) VCF-style: chr14-77745169-G-A.
Identifiers: ClinVar variation 284450 (VCV000284450.25), dbSNP rs141193672, ClinGen allele CA7285590.

ClinVar aggregate classification (germline): Conflicting classifications of pathogenicity. Review status: criteria provided, conflicting classifications (1 of 4 stars). 6 submissions from 6 submitters: Uncertain significance (1); Benign (1); Likely benign (3). 1 of the submissions does not count toward it. Last evaluated 2026-01-27.

Conditions:
Muscular dystrophy-dystroglycanopathy (congenital with brain and eye anomalies), type A2. Also called: WALKER-WARBURG SYNDROME OR MUSCLE-EYE-BRAIN DISEASE, POMT2-RELATED; MUSCULAR DYSTROPHY-DYSTROGLYCANOPATHY (CONGENITAL WITH BRAIN AND EYE ANOMALIES), TYPE A, 2. Identifiers: Orphanet 588, Orphanet 899, MedGen C3150411, MONDO:0013154, OMIM 613150.
Muscular dystrophy-dystroglycanopathy (congenital with impaired intellectual development), type B, 2. Also called: Muscular dystrophy-dystroglycanopathy (congenital with intellectual disability), type B2; MUSCULAR DYSTROPHY, CONGENITAL, POMT2-RELATED. Identifiers: MedGen C3150416, MONDO:0013160, OMIM 613156.
Autosomal recessive limb-girdle muscular dystrophy type 2N. Also called: MUSCULAR DYSTROPHY-DYSTROGLYCANOPATHY, LIMB-GIRDLE, POMT2-RELATED; Muscular dystrophy-dystroglycanopathy (limb-girdle), type C, 2. Identifiers: Orphanet 206559, MedGen C3150418, MONDO:0013162, OMIM 613158.
POMT2-related disorder. Also called: POMT2-related condition.

Allele frequency attached by ClinVar (database versions not stated): gnomAD exomes 0.00019; 1000 Genomes Project 0.00020; gnomAD 0.00062 and 0.00066; TOPMed 0.00062; 1000 Genomes Project 30x 0.00062; ExAC 0.00024; ESP Exome Variant Server 0.00092.
gnomAD v4.1: 209 of 1,613,356 alleles (0.013%); highest among the groups gnomAD compares: African/African-American, 0.24%; no homozygotes.

Submissions (6):

Labcorp Genetics (formerly Invitae), Labcorp
Classification: Benign for Muscular dystrophy-dystroglycanopathy (congenital with impaired intellectual development), type B, 2; Muscular dystrophy-dystroglycanopathy (congenital with brain and eye anomalies), type A2; Autosomal recessive limb-girdle muscular dystrophy type 2N. Last evaluated: 2026-01-27. Review status: criteria provided, single submitter. Criteria: Invitae Variant Classification Sherloc (09022015). Collection method: clinical testing. Allele origin: germline.

Blueprint Genetics
Classification: Likely benign. Last evaluated: 2022-04-27. Review status: criteria provided, single submitter. Criteria: ACMG Guidelines, 2015. Collection method: clinical testing. Allele origin: germline.

GeneDx
Classification: Likely benign. Last evaluated: 2021-04-24. Review status: criteria provided, single submitter. Criteria: GeneDx Variant Classification Process June 2021. Collection method: clinical testing. Allele origin: germline. Affected: yes.

Eurofins Ntd Llc (ga)
Classification: Uncertain significance. Last evaluated: 2017-08-01. Review status: criteria provided, single submitter. Criteria: EGL Classification Definitions 2015. Collection method: clinical testing. Allele origin: germline. Observed: 4 variant alleles, 4 heterozygotes.

Genetic Services Laboratory, University of Chicago
Classification: Likely benign. Last evaluated: 2017-07-06. Review status: criteria provided, single submitter. Criteria: ACMG Guidelines, 2015. Collection method: clinical testing. Allele origin: germline. Affected: no.

PreventionGenetics, part of Exact Sciences
Classification: Likely benign for POMT2-related condition. Last evaluated: 2019-11-14. Review status: no assertion criteria provided. Collection method: clinical testing. Allele origin: germline. Not counted in ClinVar's aggregate classification.
Comment: This variant is classified as likely benign based on ACMG/AMP sequence variant interpretation guidelines (Richards et al. 2015 PMID: 25741868, with internal and published modifications).